The following is an entry in ClinVar:

NM_212550.5(BLOC1S3):c.52G>A (p.Val18Met)

Gene: BLOC1S3 (biogenesis of lysosomal organelles complex 1 subunit 3; plus strand). Cytogenetic location: 19q13.32.
Variant type: single nucleotide variant.
Coding change: c.52G>A on transcript NM_212550.5 (MANE Select); coding-DNA position 52, G replaced by A.
Protein change: p.Val18Met; replaces valine 18 with methionine.
Molecular consequence: missense variant.
Genome position (GRCh38, 1-based): chr19:45,179,348, G>A. VCF-style: chr19-45179348-G-A. GRCh37 (hg19) VCF-style: chr19-45682606-G-A.
Other names: c.52G>A (NM_212550.3); short protein forms V18M.
Identifiers: ClinVar variation 1402810 (VCV001402810.4), dbSNP rs767819779, ClinGen allele CA9510201.

ClinVar aggregate classification (germline): Uncertain significance. Review status: criteria provided, multiple submitters, no conflicts (2 of 4 stars). 2 submissions from 2 submitters: Uncertain significance (2). Last evaluated 2025-09-26.

Conditions:
Inborn genetic diseases. Identifiers: MedGen C0950123, MeSH D030342.

Allele frequency attached by ClinVar (database versions not stated): TOPMed below 0.00001.
gnomAD v4.1: 12 of 1,587,262 alleles (0.00076%); highest among the groups gnomAD compares: Non-Finnish European, 0.00094%; no homozygotes.

Submissions (2):

Ambry Genetics
Classification: Uncertain significance for Inborn genetic diseases. Last evaluated: 2025-09-26. Review status: criteria provided, single submitter. Criteria: Ambry Variant Classification Scheme 2023. Collection method: clinical testing. Allele origin: germline.

Labcorp Genetics (formerly Invitae), Labcorp
Classification: Uncertain significance. Last evaluated: 2022-02-24. Review status: criteria provided, single submitter. Criteria: Invitae Variant Classification Sherloc (09022015). Collection method: clinical testing. Allele origin: germline.
Comment: This sequence change replaces valine, which is neutral and non-polar, with methionine, which is neutral and non-polar, at codon 18 of the BLOC1S3 protein (p.Val18Met). This variant is present in population databases (rs767819779, gnomAD 0.003%). This variant has not been reported in the literature in individuals affected with BLOC1S3-related conditions. Algorithms developed to predict the effect of missense changes on protein structure and function are either unavailable or do not agree on the potential impact of this missense change (SIFT: "Deleterious"; PolyPhen-2: "Possibly Damaging"; Align-GVGD: "Class C15"). In summary, the available evidence is currently insufficient to determine the role of this variant in disease. Therefore, it has been classified as a Variant of Uncertain Significance.